The following is an entry in ClinVar:

ClinVar aggregate classification (germline): Pathogenic (1 of 4 stars; one submission).

Conditions:
Familial ovarian cancer. Identifiers: MedGen C5679802, MONDO:0016248.

Submission:

Myriad Genetics, Inc.
Classification: Pathogenic for Familial ovarian cancer. Last evaluated: 2026-06-24. Review status: criteria provided, single submitter. Criteria: Myriad Autosomal Dominant, Autosomal Recessive and X-Linked Classification Criteria (2023). Collection method: clinical testing. Allele origin: unknown.
Comment: This variant is considered pathogenic. This variant creates a frameshift predicted to result in premature protein truncation.

NM_032043.3(BRIP1):c.1997del (p.Asn666fs)

Gene: BRIP1 (BRCA1 interacting DNA helicase 1; minus strand). Cytogenetic location: 17q23.2.
Variant type: Deletion.
Coding change: c.1997del on transcript NM_032043.3 (MANE Select); coding-DNA position 1997, one base deleted (A; older notation c.1997delA).
Protein change: p.Asn666fs; shifts the reading frame from asparagine 666.
Molecular consequence: frameshift variant.
Genome position (GRCh38, 1-based): chr17:61,776,501, T deleted on the plus strand (A on the coding strand, the reverse complement: BRIP1 is on the minus strand); the first of 2 consecutive T bases (chr17:61,776,501-61,776,502); deleting either gives the same sequence. VCF-style (leftmost placement, unchanged base first): chr17-61776500-AT-A. GRCh37 (hg19) VCF-style: chr17-59853861-AT-A.
Other names: short protein forms N666fs.
Identifiers: ClinVar variation 4876100 (VCV004876100.1).
Genomic context (GRCh38, chr17:61,776,500, plus strand): 5'-AGTCTGGCACACAGATAACAAAAGTGCTCCCACTTCATCTTGGAACTCAAATGTTTCAGT[AT>A]TCTGGAAGGTAGCACAGAGATTCCGACCCTTGGGGCCTGACCCAATGGTACCAACCCAAA-3'